The following is an entry in ClinVar:

ClinVar aggregate classification (germline): Uncertain significance. Review status: criteria provided, multiple submitters, no conflicts (2 of 4 stars). 5 submissions from 5 submitters: Uncertain significance (5). Last evaluated 2025-08-21.

Conditions:
Dilated cardiomyopathy 1GG (CMD1GG). Identifiers: Orphanet 154, MedGen C3150898, MONDO:0013339, OMIM 613642.
Pheochromocytoma/paraganglioma syndrome 5. Also called: Paragangliomas 5; SDHA-Related Hereditary Paraganglioma-Pheochromocytoma Syndrome. Identifiers: Orphanet 29072, MedGen C3279992, MONDO:0013602, OMIM 614165.
Mitochondrial complex II deficiency, nuclear type 1. Also called: SUCCINATE CoQ REDUCTASE DEFICIENCY. Identifiers: Orphanet 3208, MedGen C5700310, MONDO:0100294, OMIM 252011.
Hereditary cancer-predisposing syndrome. Also called: Tumor predisposition; Hereditary neoplastic syndrome; Neoplastic Syndromes, Hereditary; Hereditary Cancer Syndrome. Identifiers: Orphanet 140162, MedGen C0027672, MeSH D009386, MONDO:0015356.

gnomAD v4.1: 16 of 1,574,160 alleles (0.001%); highest among the groups gnomAD compares: South Asian, 0.0023%; no homozygotes.

Submissions (5):

Ambry Genetics
Classification: Uncertain significance for Hereditary cancer-predisposing syndrome. Last evaluated: 2025-08-21. Review status: criteria provided, single submitter. Criteria: Ambry Variant Classification Scheme 2023. Collection method: clinical testing. Allele origin: germline.
Comment: The p.Y629C variant (also known as c.1886A>G), located in coding exon 14 of the SDHA gene, results from an A to G substitution at nucleotide position 1886. The tyrosine at codon 629 is replaced by cysteine, an amino acid with highly dissimilar properties. This amino acid position is highly conserved in available vertebrate species. In addition, this alteration is predicted to be tolerated by in silico analysis. Since supporting evidence is limited at this time, the clinical significance of this alteration remains unclear.

Mayo Clinic Laboratories, Mayo Clinic
Classification: Uncertain significance. Last evaluated: 2024-07-29. Review status: criteria provided, single submitter. Criteria: ACMG Guidelines, 2015. Collection method: clinical testing. Allele origin: germline. Observed: 1 variant allele.

Baylor Genetics
Classification: Uncertain significance for Dilated cardiomyopathy 1GG. Last evaluated: 2023-06-01. Review status: criteria provided, single submitter. Criteria: ACMG Guidelines, 2015. Collection method: clinical testing. Allele origin: unknown.

GeneDx
Classification: Uncertain significance. Last evaluated: 2023-03-28. Review status: criteria provided, single submitter. Criteria: GeneDx Variant Classification Process June 2021. Collection method: clinical testing. Allele origin: germline. Affected: yes.
Comment: Not observed at significant frequency in large population cohorts (gnomAD); In silico analysis supports that this missense variant has a deleterious effect on protein structure/function; Has not been previously published as pathogenic or benign to our knowledge

Labcorp Genetics (formerly Invitae), Labcorp
Classification: Uncertain significance for Pheochromocytoma/paraganglioma syndrome 5; Mitochondrial complex II deficiency, nuclear type 1. Last evaluated: 2021-02-01. Review status: criteria provided, single submitter. Criteria: Invitae Variant Classification Sherloc (09022015). Collection method: clinical testing. Allele origin: germline.
Comment: This variant has not been reported in the literature in individuals with SDHA-related conditions. ClinVar contains an entry for this variant (Variation ID: 820258). The frequency data for this variant in the population databases is considered unreliable, as metrics indicate poor data quality at this position in the ExAC database. This sequence change replaces tyrosine with cysteine at codon 629 of the SDHA protein (p.Tyr629Cys). The tyrosine residue is moderately conserved and there is a large physicochemical difference between tyrosine and cysteine. In summary, the available evidence is currently insufficient to determine the role of this variant in disease. Therefore, it has been classified as a Variant of Uncertain Significance. Algorithms developed to predict the effect of missense changes on protein structure and function are either unavailable or do not agree on the potential impact of this missense change (SIFT: "Deleterious"; PolyPhen-2: "Benign"; Align-GVGD: "Class C15").

NM_004168.4(SDHA):c.1886A>G (p.Tyr629Cys)

Gene: SDHA (succinate dehydrogenase complex flavoprotein subunit A; plus strand). Cytogenetic location: 5p15.33.
Variant type: single nucleotide variant.
Coding change: c.1886A>G on transcript NM_004168.4 (MANE Select); coding-DNA position 1886, A replaced by G.
Protein change: p.Tyr629Cys; replaces tyrosine 629 with cysteine.
Molecular consequence: missense variant.
Genome position (GRCh38, 1-based): chr5:254,484, A>G. VCF-style: chr5-254484-A-G. GRCh37 (hg19) VCF-style: chr5-254599-A-G.
Other names: p.Tyr629Cys; c.1742A>G, p.Tyr581Cys (NM_001294332.2); c.1643A>G, p.Tyr548Cys (NM_001330758.2); short protein forms Y581C, Y548C, Y629C.
Identifiers: ClinVar variation 820258 (VCV000820258.18), dbSNP rs6960, ClinGen allele CA3173436.